The following is an entry in ClinVar:

NM_003995.4(NPR2):c.53G>A (p.Arg18His)

Gene: NPR2 (natriuretic peptide receptor 2; plus strand). Cytogenetic location: 9p13.3.
Variant type: single nucleotide variant.
Coding change: c.53G>A on transcript NM_003995.4 (MANE Select); coding-DNA position 53, G replaced by A.
Protein change: p.Arg18His; replaces arginine 18 with histidine.
Molecular consequence: missense variant.
Genome position (GRCh38, 1-based): chr9:35,792,461, G>A. VCF-style: chr9-35792461-G-A. GRCh37 (hg19) VCF-style: chr9-35792458-G-A.
Other names: c.53G>A, p.Arg18His (NM_001378923.1); short protein forms R18H.
Identifiers: ClinVar variation 3758504 (VCV003758504.2).

ClinVar aggregate classification (germline): Uncertain significance (1 of 4 stars; one submission).

Conditions:
Acromesomelic dysplasia 1, Maroteaux type (AMD1). Also called: ST. HELENA DYSPLASIA; ACROMESOMELIC DYSPLASIA 1. Identifiers: Orphanet 40, MedGen C1864356, MONDO:0011275, OMIM 602875.
Tall stature-scoliosis-macrodactyly of the great toes syndrome. Also called: Epiphyseal chondrodysplasia, miura type. Identifiers: Orphanet 329191, MedGen C4014690, MONDO:0014401, OMIM 615923.

gnomAD v4.1: 20 of 1,611,020 alleles (0.0012%); highest among the groups gnomAD compares: Admixed American, 0.0017%; no homozygotes.

Submission:

Labcorp Genetics (formerly Invitae), Labcorp
Classification: Uncertain significance for Tall stature-scoliosis-macrodactyly of the great toes syndrome; Acromesomelic dysplasia 1, Maroteaux type. Last evaluated: 2024-12-09. Review status: criteria provided, single submitter. Criteria: Invitae Variant Classification Sherloc (09022015). Collection method: clinical testing. Allele origin: germline.
Comment: This sequence change replaces arginine, which is basic and polar, with histidine, which is basic and polar, at codon 18 of the NPR2 protein (p.Arg18His). This variant is not present in population databases (gnomAD no frequency). This variant has not been reported in the literature in individuals affected with NPR2-related conditions. An algorithm developed to predict the effect of missense changes on protein structure and function outputs the following: PolyPhen-2: "Benign". The histidine amino acid residue is found in multiple mammalian species, which suggests that this missense change does not adversely affect protein function. In summary, the available evidence is currently insufficient to determine the role of this variant in disease. Therefore, it has been classified as a Variant of Uncertain Significance.